The following is an entry in ClinVar:

ClinVar aggregate classification (germline): Uncertain significance (1 of 4 stars; one submission).

Conditions:
Hereditary cancer-predisposing syndrome. Also called: Hereditary Cancer Syndrome; Hereditary neoplastic syndrome; Tumor predisposition; Neoplastic Syndromes, Hereditary. Identifiers: Orphanet 140162, MedGen C0027672, MeSH D009386, MONDO:0015356.

Submission:

Ambry Genetics
Classification: Uncertain significance for Hereditary cancer-predisposing syndrome. Last evaluated: 2017-09-18. Review status: criteria provided, single submitter. Criteria: Ambry Variant Classification Scheme 2023. Collection method: clinical testing. Allele origin: germline.
Comment: The p.E787D variant (also known as c.2361G>C), located in coding exon 21 of the TSC2 gene, results from a G to C substitution at nucleotide position 2361. The glutamic acid at codon 787 is replaced by aspartic acid, an amino acid with highly similar properties. This amino acid position is highly conserved in available vertebrate species. In addition, this alteration is predicted to be deleterious by in silico analysis. Since supporting evidence is limited at this time, the clinical significance of this alteration remains unclear.

NM_000548.5(TSC2):c.2361G>C (p.Glu787Asp)

Gene: TSC2 (TSC complex subunit 2; plus strand). Cytogenetic location: 16p13.3.
Variant type: single nucleotide variant.
Coding change: c.2361G>C on transcript NM_000548.5 (MANE Select); coding-DNA position 2361, G replaced by C.
Protein change: p.Glu787Asp; replaces glutamic acid 787 with aspartic acid.
Molecular consequence: missense variant.
Genome position (GRCh38, 1-based): chr16:2,074,205, G>C. VCF-style: chr16-2074205-G-C. GRCh37 (hg19) VCF-style: chr16-2124206-G-C.
Other names: c.1761G>C, p.Glu587Asp (NM_001406685.1, NM_001406686.1, NM_001406687.1 and 6 more transcripts); c.1017G>C, p.Glu339Asp (NM_001406689.1, NM_001406690.1, NM_001406691.1 and 6 more transcripts); c.2361G>C, p.Glu787Asp (NM_001077183.3, NM_001114382.3, NM_001363528.2 and 6 more transcripts); c.2250G>C, p.Glu750Asp (NM_001318827.2, NM_001406670.1, NM_001406678.1); c.2214G>C, p.Glu738Asp (NM_001318829.2, NM_001406675.1, NM_001406676.1 and 1 more transcripts); c.2394G>C, p.Glu798Asp (NM_001318832.2); c.2451G>C, p.Glu817Asp (NM_001406667.1, NM_001406668.1); c.2349G>C, p.Glu783Asp (NM_001406671.1, NM_001406673.1); and 3 more; short protein forms E633D, E787D, E253D, E738D, E750D, E768D, E587D, E783D.
Identifiers: ClinVar variation 1790173 (VCV001790173.2), dbSNP rs2151346581, ClinGen allele CA394276945.
Genomic context (GRCh38, chr16:2,074,205, plus strand): 5'-GCGAGGCTGCCTCTGCTGCAAGCGGGTGGGGCCTGAGGTGTCCTGTCTCCTGCAGCGCGA[G>C]ATGGTCTACTGCCTGGAGCAGGGCCTCATCCACCGCTGTGCCAGCCAGTGCGTCGTGGCC-3'
Protein context (NP_000539.2, residues 777-797): HNYLDKTKQR[Glu787Asp]MVYCLEQGLI